The following is an entry in ClinVar:

NM_006033.4(LIPG):c.346G>A (p.Ala116Thr)

Gene: LIPG (lipase G, endothelial type; plus strand). Cytogenetic location: 18q21.1.
Variant type: single nucleotide variant.
Coding change: c.346G>A on transcript NM_006033.4 (MANE Select); coding-DNA position 346, G replaced by A.
Protein change: p.Ala116Thr; replaces alanine 116 with threonine.
Molecular consequence: missense variant.
Genome position (GRCh38, 1-based): chr18:49,567,508, G>A. VCF-style: chr18-49567508-G-A. GRCh37 (hg19) VCF-style: chr18-47093878-G-A.
Other names: c.346G>A, p.Ala116Thr (NM_001308006.2); short protein forms A116T.
Identifiers: ClinVar variation 2736725 (VCV002736725.3), dbSNP rs111384586, ClinGen allele CA8959063.

ClinVar aggregate classification (germline): Uncertain significance (1 of 4 stars; one submission).

Allele frequency attached by ClinVar (database versions not stated): gnomAD 0.00001; ExAC 0.00002.
gnomAD v4.1: 16 of 1,613,990 alleles (0.00099%); highest among the groups gnomAD compares: Non-Finnish European, 0.00085%; no homozygotes.

Submission:

Labcorp Genetics (formerly Invitae), Labcorp
Classification: Uncertain significance. Last evaluated: 2024-01-07. Review status: criteria provided, single submitter. Criteria: Invitae Variant Classification Sherloc (09022015). Collection method: clinical testing. Allele origin: germline.
Comment: This sequence change replaces alanine, which is neutral and non-polar, with threonine, which is neutral and polar, at codon 116 of the LIPG protein (p.Ala116Thr). This variant is present in population databases (rs111384586, gnomAD 0.01%). This missense change has been observed in individual(s) with high HDL (PMID: 19287092). An algorithm developed to predict the effect of missense changes on protein structure and function (PolyPhen-2) suggests that this variant is likely to be disruptive. Experimental studies have shown that this missense change affects LIPG function (PMID: 19287092). In summary, the available evidence is currently insufficient to determine the role of this variant in disease. Therefore, it has been classified as a Variant of Uncertain Significance.

Literature cited by the submitters: PubMed 19287092.